The following is an entry in ClinVar:

ClinVar aggregate classification (germline): Conflicting classifications of pathogenicity. Review status: criteria provided, conflicting classifications (1 of 4 stars). 6 submissions from 5 submitters: Uncertain significance (1); Likely benign (4). 1 of the submissions does not count toward it. Last evaluated 2025-06-12.

Conditions:
Microcephaly 6, primary, autosomal recessive. Identifiers: Orphanet 2512, MedGen C1842109, MONDO:0012029, OMIM 608393.
Seckel syndrome 4 (SCKL4). Identifiers: Orphanet 808, MedGen C3888212, MONDO:0013358, OMIM 613676.
CENPJ-related disorder. Also called: CENPJ-related disorders; CENPJ-related condition.
Inborn genetic diseases. Identifiers: MedGen C0950123, MeSH D030342.

Allele frequency attached by ClinVar (database versions not stated): gnomAD exomes 0.00013 and 0.00029; ExAC 0.00040; gnomAD 0.00095 and 0.00096; TOPMed 0.00105; 1000 Genomes Project 30x 0.00109; ESP Exome Variant Server 0.00115; 1000 Genomes Project 0.00120.
gnomAD v4.1: 349 of 1,614,170 alleles (0.022%); highest among the groups gnomAD compares: African/African-American, 0.36%; 2 homozygotes.

Submissions (6):

Labcorp Genetics (formerly Invitae), Labcorp
Classification: Likely benign. Last evaluated: 2025-06-12. Review status: criteria provided, single submitter. Criteria: Invitae Variant Classification Sherloc (09022015). Collection method: clinical testing. Allele origin: germline.

Blueprint Genetics
Classification: Likely benign. Last evaluated: 2024-08-22. Review status: criteria provided, single submitter. Criteria: ACMG Guidelines, 2015. Collection method: clinical testing. Allele origin: germline.

Ambry Genetics
Classification: Likely benign for Inborn genetic diseases. Last evaluated: 2022-06-24. Review status: criteria provided, single submitter. Criteria: Ambry Variant Classification Scheme 2023. Collection method: clinical testing. Allele origin: germline.

Illumina Laboratory Services, Illumina
Classification: Likely benign for Seckel syndrome 4. Last evaluated: 2018-01-12. Review status: criteria provided, single submitter. Criteria: ICSL Variant Classification Criteria 13 December 2019. Collection method: clinical testing. Allele origin: germline.
Comment: This variant was observed in the ICSL laboratory as part of a predisposition screen in an ostensibly healthy population. It had not been previously curated by ICSL or reported in the Human Gene Mutation Database (HGMD: prior to June 1st, 2018), and was therefore a candidate for classification through an automated scoring system. Utilizing variant allele frequency, disease prevalence and penetrance estimates, and inheritance mode, an automated score was calculated to assess if this variant is too frequent to cause the disease. Based on the score and internal cut-off values, a variant classified as likely benign is not then subjected to further curation. The score for this variant resulted in a classification of likely benign for this disease.

Illumina Laboratory Services, Illumina
Classification: Uncertain significance for Microcephaly 6, primary, autosomal recessive. Last evaluated: 2018-01-12. Review status: criteria provided, single submitter. Criteria: ICSL Variant Classification Criteria 13 December 2019. Collection method: clinical testing. Allele origin: germline.

PreventionGenetics, part of Exact Sciences
Classification: Likely benign for CENPJ-related condition. Last evaluated: 2022-12-28. Review status: no assertion criteria provided. Collection method: clinical testing. Allele origin: germline. Not counted in ClinVar's aggregate classification.
Comment: This variant is classified as likely benign based on ACMG/AMP sequence variant interpretation guidelines (Richards et al. 2015 PMID: 25741868, with internal and published modifications).

NM_018451.5(CPAP):c.2298T>A (p.Asp766Glu)

Gene: CPAP (centrosome assembly and centriole elongation protein; minus strand). Cytogenetic location: 13q12.13.
Variant type: single nucleotide variant.
Coding change: c.2298T>A on transcript NM_018451.5 (MANE Select); coding-DNA position 2298, T replaced by A.
Protein change: p.Asp766Glu; replaces aspartic acid 766 with glutamic acid.
Molecular consequence: missense variant. On other transcripts: non-coding transcript variant (2).
Genome position (GRCh38, 1-based): chr13:24,905,740, A>T on the plus strand (T>A on the coding strand, the complement: CPAP is on the minus strand). VCF-style: chr13-24905740-A-T. GRCh37 (hg19) VCF-style: chr13-25479878-A-T.
Other names: c.2298T>A (NM_018451.3); short protein forms D766E.
Identifiers: ClinVar variation 311618 (VCV000311618.17), dbSNP rs79951875, ClinGen allele CA6919620.
Genomic context (GRCh38, chr13:24,905,740, plus strand): 5'-TAGGGATGAGGATCTCGAGGGCTCAGACACTTTATGTTTTATGCTTTCCATGATAGACTC[A>T]TCGCTACTGTAATCTTTATCAGACAAATCCAGATCAACATCTCTCCTTTTATCTTCTTGG-3'
Protein context (NP_060921.3, residues 756-776): LDLSDKDYSS[Asp766Glu]ESIMESIKHK